The following is an entry in ClinVar:

ClinVar aggregate classification (germline): Uncertain significance. Review status: criteria provided, single submitter (1 of 4 stars). 2 submissions from 2 submitters: Uncertain significance (1). 1 of the submissions does not count toward it. Last evaluated 2025-07-08.

Conditions:
Niemann-Pick disease, type C1. Also called: NIEMANN-PICK DISEASE, VARIANT TYPE C1; NEUROVISCERAL STORAGE DISEASE WITH VERTICAL SUPRANUCLEAR OPHTHALMOPLEGIA; NIEMANN-PICK DISEASE WITH CHOLESTEROL ESTERIFICATION BLOCK; NIEMANN-PICK DISEASE WITHOUT SPHINGOMYELINASE DEFICIENCY; NIEMANN-PICK DISEASE, CHRONIC NEURONOPATHIC FORM. Identifiers: Orphanet 646, MedGen C3179455, MONDO:0009757, OMIM 257220.

Allele frequency attached by ClinVar (database versions not stated): gnomAD exomes below 0.00001; TOPMed below 0.00001; ExAC 0.00001.
gnomAD v4.1: 1 of 1,614,202 alleles (0.000062%); highest among the groups gnomAD compares: African/African-American, 0.0013%; no homozygotes.

Submissions (2):

Women's Health and Genetics/Laboratory Corporation of America, LabCorp
Classification: Uncertain significance. Last evaluated: 2025-07-08. Review status: criteria provided, single submitter. Criteria: LabCorp Variant Classification Summary - May 2015. Collection method: clinical testing. Allele origin: germline.
Comment: Variant summary: NPC1 c.2300C>G (p.Ala767Gly) results in a non-conservative amino acid change in the encoded protein sequence. Algorithms developed to predict the effect of missense changes on protein structure and function all suggest that this variant is likely to be disruptive. The variant allele was found at a frequency of 4e-06 in 251462 control chromosomes. The available data on variant occurrences in the general population are insufficient to allow any conclusion about variant significance. To our knowledge, no occurrence of c.2300C>G in individuals affected with Niemann-Pick Disease Type C and no experimental evidence demonstrating its impact on protein function have been reported. ClinVar contains an entry for this variant (Variation ID: 992156). Based on the evidence outlined above, the variant was classified as uncertain significance.

Natera, Inc.
Classification: Uncertain significance for Niemann-Pick disease type C1. Last evaluated: 2020-08-14. Review status: no assertion criteria provided. Collection method: clinical testing. Allele origin: germline. Not counted in ClinVar's aggregate classification.

NM_000271.5(NPC1):c.2300C>G (p.Ala767Gly)

Gene: NPC1 (NPC intracellular cholesterol transporter 1; minus strand). Cytogenetic location: 18q11.2.
Variant type: single nucleotide variant.
Coding change: c.2300C>G on transcript NM_000271.5 (MANE Select); coding-DNA position 2300, C replaced by G.
Protein change: p.Ala767Gly; replaces alanine 767 with glycine.
Molecular consequence: missense variant.
Genome position (GRCh38, 1-based): chr18:23,541,379, G>C on the plus strand (C>G on the coding strand, the complement: NPC1 is on the minus strand). VCF-style: chr18-23541379-G-C. GRCh37 (hg19) VCF-style: chr18-21121343-G-C.
Other names: short protein forms A767G.
Identifiers: ClinVar variation 992156 (VCV000992156.2), dbSNP rs748589476, ClinGen allele CA8913149.